The following is an entry in ClinVar:

NM_021956.5(GRIK2):c.253C>T (p.Leu85Phe)

Gene: GRIK2 (glutamate ionotropic receptor kainate type subunit 2; plus strand). Cytogenetic location: 6q16.3.
Variant type: single nucleotide variant.
Coding change: c.253C>T on transcript NM_021956.5 (MANE Select); coding-DNA position 253, C replaced by T.
Protein change: p.Leu85Phe; replaces leucine 85 with phenylalanine.
Molecular consequence: missense variant.
Genome position (GRCh38, 1-based): chr6:101,622,086, C>T. VCF-style: chr6-101622086-C-T. GRCh37 (hg19) VCF-style: chr6-102069961-C-T.
Other names: c.253C>T, p.Leu85Phe (NM_001166247.1, NM_175768.3); short protein forms L85F.
Identifiers: ClinVar variation 4032336 (VCV004032336.1).

ClinVar aggregate classification (germline): Uncertain significance (1 of 4 stars; one submission).

Conditions:
Inborn genetic diseases. Identifiers: MedGen C0950123, MeSH D030342.

gnomAD v4.1: 162 of 1,601,422 alleles (0.01%); highest among the groups gnomAD compares: Non-Finnish European, 0.013%; no homozygotes.

Submission:

Ambry Genetics
Classification: Uncertain significance for Inborn genetic diseases. Last evaluated: 2025-03-24. Review status: criteria provided, single submitter. Criteria: Ambry Variant Classification Scheme 2023. Collection method: clinical testing. Allele origin: germline.
Comment: The c.253C>T (p.L85F) alteration is located in exon 2 (coding exon 2) of the GRIK2 gene. This alteration results from a C to T substitution at nucleotide position 253, causing the leucine (L) at amino acid position 85 to be replaced by a phenylalanine (F). Based on data from gnomAD, the T allele has an overall frequency of 0.002% (6/281184) total alleles studied. The highest observed frequency was 0.005% (6/128300) of European (non-Finnish) alleles. This variant has been reported in an individual with features consistent with GRIK2-related neurodevelopmental disorder (Grozeva, 2015). This amino acid position is well conserved in available vertebrate species. This alteration is predicted to be tolerated by in silico analysis. Based on insufficient or conflicting evidence, the clinical significance of this alteration remains unclear.

Literature cited by the submitters: PubMed 26350204.